The following is an entry in ClinVar:

ClinVar aggregate classification (germline): Conflicting classifications of pathogenicity. Review status: criteria provided, conflicting classifications (1 of 4 stars). 3 submissions from 3 submitters: Uncertain significance (2); Likely benign (1). Last evaluated 2025-12-28.

Conditions:
Hereditary cancer-predisposing syndrome. Also called: Neoplastic Syndromes, Hereditary; Hereditary Cancer Syndrome; Hereditary neoplastic syndrome; Tumor predisposition. Identifiers: Orphanet 140162, MedGen C0027672, MeSH D009386, MONDO:0015356.
EGFR-related lung cancer (EGFR). Identifiers: MedGen CN130014.

Allele frequency attached by ClinVar (database versions not stated): gnomAD 0.00001; gnomAD exomes 0.00001; TOPMed 0.00001.
gnomAD v4.1: 22 of 1,613,998 alleles (0.0014%); highest among the groups gnomAD compares: Non-Finnish European, 0.0019%; no homozygotes.

Submissions (3):

Labcorp Genetics (formerly Invitae), Labcorp
Classification: Uncertain significance for EGFR-related lung cancer. Last evaluated: 2025-12-28. Review status: criteria provided, single submitter. Criteria: Invitae Variant Classification Sherloc (09022015). Collection method: clinical testing. Allele origin: germline.
Comment: This sequence change replaces glutamine, which is neutral and polar, with histidine, which is basic and polar, at codon 504 of the EGFR protein (p.Gln504His). This variant is not present in population databases (gnomAD no frequency). This variant has not been reported in the literature in individuals affected with EGFR-related conditions. ClinVar contains an entry for this variant (Variation ID: 1436797). Invitae Evidence Modeling of protein sequence and biophysical properties (such as structural, functional, and spatial information, amino acid conservation, physicochemical variation, residue mobility, and thermodynamic stability) indicates that this missense variant is not expected to disrupt EGFR protein function with a negative predictive value of 80%. In summary, the available evidence is currently insufficient to determine the role of this variant in disease. Therefore, it has been classified as a Variant of Uncertain Significance.

Ambry Genetics
Classification: Likely benign for Hereditary cancer-predisposing syndrome. Last evaluated: 2024-12-23. Review status: criteria provided, single submitter. Criteria: Ambry Variant Classification Scheme 2023. Collection method: clinical testing. Allele origin: germline.

GeneDx
Classification: Uncertain significance. Last evaluated: 2023-04-03. Review status: criteria provided, single submitter. Criteria: GeneDx Variant Classification Process June 2021. Collection method: clinical testing. Allele origin: germline. Affected: yes.
Comment: Not observed at significant frequency in large population cohorts (gnomAD); In silico analysis supports that this missense variant does not alter protein structure/function; Has not been previously published as pathogenic or benign to our knowledge

NM_005228.5(EGFR):c.1512G>C (p.Gln504His)

Gene: EGFR (epidermal growth factor receptor; plus strand). Cytogenetic location: 7p11.2.
Variant type: single nucleotide variant.
Coding change: c.1512G>C on transcript NM_005228.5 (MANE Select); coding-DNA position 1512, G replaced by C.
Protein change: p.Gln504His; replaces glutamine 504 with histidine.
Molecular consequence: missense variant.
Genome position (GRCh38, 1-based): chr7:55,161,512, G>C. VCF-style: chr7-55161512-G-C. GRCh37 (hg19) VCF-style: chr7-55229205-G-C.
Other names: c.1512G>C (NM_005228.3); c.1377G>C, p.Gln459His (NM_001346897.2, NM_001346899.2); c.1512G>C, p.Gln504His (NM_001346898.2, NM_201282.2, NM_201284.2); c.1353G>C, p.Gln451His (NM_001346900.2); c.711G>C, p.Gln237His (NM_001346941.2); short protein forms Q237H, Q459H, Q504H, Q451H.
Identifiers: ClinVar variation 1436797 (VCV001436797.9), dbSNP rs1188823834, ClinGen allele CA367579788.
Genomic context (GRCh38, chr7:55,161,512, plus strand): 5'-GGTCCCTGCTCTGTCACTGACTGCTGTGACCCACTCTGTCTCCGCAGAGGCCACAGGCCA[G>C]GTCTGCCATGCCTTGTGCTCCCCCGAGGGCTGCTGGGGCCCGGAGCCCAGGGACTGCGTC-3'
Protein context (NP_005219.2, residues 494-514): RGENSCKATG[Gln504His]VCHALCSPEG